The following is an entry in ClinVar:

NM_000021.4(PSEN1):c.1223T>C (p.Ile408Thr)

Gene: PSEN1 (presenilin 1; plus strand). Cytogenetic location: 14q24.2.
Variant type: single nucleotide variant.
Coding change: c.1223T>C on transcript NM_000021.4 (MANE Select); coding-DNA position 1223, T replaced by C.
Protein change: p.Ile408Thr; replaces isoleucine 408 with threonine.
Molecular consequence: missense variant.
Genome position (GRCh38, 1-based): chr14:73,217,219, T>C. VCF-style: chr14-73217219-T-C. GRCh37 (hg19) VCF-style: chr14-73683927-T-C.
Other names: c.1211T>C, p.Ile404Thr (NM_007318.3); short protein forms I404T, I408T.
Identifiers: ClinVar variation 2056809 (VCV002056809.4), dbSNP rs906454643, ClinGen allele CA262620274.

ClinVar aggregate classification (germline): Uncertain significance (1 of 4 stars; one submission).

Conditions:
Alzheimer disease 3 (AD3). Also called: ALZHEIMER DISEASE, FAMILIAL, 3. Identifiers: Orphanet 1020, MedGen C1843013, MONDO:0011913, OMIM 607822.
Pick disease. Also called: DEMENTIA WITH LOBAR ATROPHY AND NEURONAL CYTOPLASMIC INCLUSIONS; LOBAR ATROPHY OF BRAIN; Pick's disease; PICK DISEASE OF BRAIN; Pick Disease of the Brain. Identifiers: Orphanet 282, MedGen C0236642, MONDO:0008243, OMIM 172700.
Acne inversa, familial, 3 (ACNINV3). Identifiers: MedGen C3151038, MONDO:0013398, OMIM 613737.
Frontotemporal dementia (FTD1). Also called: FRONTOTEMPORAL DEMENTIA WITH PARKINSONISM; FRONTOTEMPORAL LOBE DEMENTIA; MULTIPLE SYSTEM TAUOPATHY WITH PRESENILE DEMENTIA; Dementia, frontotemporal, with or without parkinsonism; Frontotemporal Dementia with Parkinsonism-17 (FTDP-17); FRONTOTEMPORAL LOBAR DEGENERATION WITH TAU INCLUSIONS. Identifiers: Orphanet 282, MedGen C0338451, MONDO:0017276, OMIM 600274, HP:0002145.

Allele frequency attached by ClinVar (database versions not stated): gnomAD exomes below 0.00001; TOPMed 0.00001.
gnomAD v4.1: 6 of 1,614,114 alleles (0.00037%); highest among the groups gnomAD compares: Admixed American, 0.0017%; no homozygotes.

Submission:

Labcorp Genetics (formerly Invitae), Labcorp
Classification: Uncertain significance for Alzheimer disease 3; Pick disease; Acne inversa, familial, 3; Frontotemporal dementia. Last evaluated: 2025-06-12. Review status: criteria provided, single submitter. Criteria: Invitae Variant Classification Sherloc (09022015). Collection method: clinical testing. Allele origin: germline.
Comment: This sequence change replaces isoleucine, which is neutral and non-polar, with threonine, which is neutral and polar, at codon 408 of the PSEN1 protein (p.Ile408Thr). This variant is present in population databases (no rsID available, gnomAD 0.003%). This missense change has been observed in individual(s) with PSEN1-related conditions (PMID: 26549787; internal data). ClinVar contains an entry for this variant (Variation ID: 2056809). Invitae Evidence Modeling of protein sequence and biophysical properties (such as structural, functional, and spatial information, amino acid conservation, physicochemical variation, residue mobility, and thermodynamic stability) has been performed for this missense variant. However, the output from this modeling did not meet the statistical confidence thresholds required to predict the impact of this variant on PSEN1 protein function. In summary, the available evidence is currently insufficient to determine the role of this variant in disease. Therefore, it has been classified as a Variant of Uncertain Significance.

Literature cited by the submitters: PubMed 26549787.